The following is an entry in ClinVar:

ClinVar aggregate classification (germline): Uncertain significance (1 of 4 stars; one submission).

Allele frequency attached by ClinVar (database versions not stated): gnomAD exomes below 0.00001; gnomAD 0.00001; TOPMed 0.00001.
gnomAD v4.1: 4 of 1,498,840 alleles (0.00027%); highest among the groups gnomAD compares: Admixed American, 0.0019%; no homozygotes.

Submission:

Labcorp Genetics (formerly Invitae), Labcorp
Classification: Uncertain significance. Last evaluated: 2022-08-09. Review status: criteria provided, single submitter. Criteria: Invitae Variant Classification Sherloc (09022015). Collection method: clinical testing. Allele origin: germline.
Comment: ClinVar contains an entry for this variant (Variation ID: 1476390). This variant has not been reported in the literature in individuals affected with CEP78-related conditions. This variant is present in population databases (no rsID available, gnomAD 0.001%). This sequence change replaces isoleucine, which is neutral and non-polar, with threonine, which is neutral and polar, at codon 356 of the CEP78 protein (p.Ile356Thr). In summary, the available evidence is currently insufficient to determine the role of this variant in disease. Therefore, it has been classified as a Variant of Uncertain Significance. Algorithms developed to predict the effect of missense changes on protein structure and function (SIFT, PolyPhen-2, Align-GVGD) all suggest that this variant is likely to be tolerated.

NM_001330691.3(CEP78):c.1067T>C (p.Ile356Thr)

Gene: CEP78 (centrosomal protein 78; plus strand). Cytogenetic location: 9q21.2.
Variant type: single nucleotide variant.
Coding change: c.1067T>C on transcript NM_001330691.3 (MANE Select); coding-DNA position 1067, T replaced by C.
Protein change: p.Ile356Thr; replaces isoleucine 356 with threonine.
Molecular consequence: missense variant.
Genome position (GRCh38, 1-based): chr9:78,248,871, T>C. VCF-style: chr9-78248871-T-C. GRCh37 (hg19) VCF-style: chr9-80863787-T-C.
Other names: c.1067T>C, p.Ile356Thr (NM_001098802.3, NM_001330693.3, NM_001330694.2 and 4 more transcripts); short protein forms I356T.
Identifiers: ClinVar variation 1476390 (VCV001476390.8), dbSNP rs1327892907, ClinGen allele CA373858137.